The following is an entry in ClinVar:

ClinVar aggregate classification (germline): Uncertain significance. Review status: criteria provided, multiple submitters, no conflicts (2 of 4 stars). 2 submissions from 2 submitters: Uncertain significance (2). Last evaluated 2023-02-28.

Conditions:
Dextro-looped transposition of the great arteries. Also called: Dextrotransposition of the great arteries. Identifiers: Orphanet 860, MedGen C3531771, MONDO:0019443, OMIM 608808, HP:0031348.
Inborn genetic diseases. Identifiers: MedGen C0950123, MeSH D030342.

Allele frequency attached by ClinVar (database versions not stated): TOPMed 0.00001.

Submissions (2):

Ambry Genetics
Classification: Uncertain significance for Inborn genetic diseases. Last evaluated: 2023-02-28. Review status: criteria provided, single submitter. Criteria: Ambry Variant Classification Scheme 2023. Collection method: clinical testing. Allele origin: germline.

Labcorp Genetics (formerly Invitae), Labcorp
Classification: Uncertain significance for Dextro-looped transposition of the great arteries. Last evaluated: 2022-08-22. Review status: criteria provided, single submitter. Criteria: Invitae Variant Classification Sherloc (09022015). Collection method: clinical testing. Allele origin: germline.
Comment: This sequence change replaces threonine, which is neutral and polar, with isoleucine, which is neutral and non-polar, at codon 469 of the MED13L protein (p.Thr469Ile). This variant is not present in population databases (gnomAD no frequency). This variant has not been reported in the literature in individuals affected with MED13L-related conditions. Advanced modeling of protein sequence and biophysical properties (such as structural, functional, and spatial information, amino acid conservation, physicochemical variation, residue mobility, and thermodynamic stability) performed at Invitae indicates that this missense variant is not expected to disrupt MED13L protein function. In summary, the available evidence is currently insufficient to determine the role of this variant in disease. Therefore, it has been classified as a Variant of Uncertain Significance.

NM_015335.5(MED13L):c.1406C>T (p.Thr469Ile)

Gene: MED13L (mediator complex subunit 13L; minus strand). Cytogenetic location: 12q24.21.
Variant type: single nucleotide variant.
Coding change: c.1406C>T on transcript NM_015335.5 (MANE Select); coding-DNA position 1406, C replaced by T.
Protein change: p.Thr469Ile; replaces threonine 469 with isoleucine.
Molecular consequence: missense variant.
Genome position (GRCh38, 1-based): chr12:116,009,007, G>A on the plus strand (C>T on the coding strand, the complement: MED13L is on the minus strand). VCF-style: chr12-116009007-G-A. GRCh37 (hg19) VCF-style: chr12-116446812-G-A.
Other names: c.1406C>T (NM_015335.4); short protein forms T469I.
Identifiers: ClinVar variation 1981796 (VCV001981796.6), dbSNP rs1879225668, ClinGen allele CA386896701.